The following is an entry in ClinVar:

NC_000013.10:g.(?_110857680)_(110857905_?)del

Gene: COL4A1 (collagen type IV alpha 1 chain; minus strand). Cytogenetic location: 13q34.
Variant type: Deletion.
Identifiers: ClinVar variation 3244204 (VCV003244204.1).

ClinVar aggregate classification (germline): Pathogenic (1 of 4 stars; one submission).

Submission:

Labcorp Genetics (formerly Invitae), Labcorp
Classification: Pathogenic. Last evaluated: 2023-08-28. Review status: criteria provided, single submitter. Criteria: Invitae Variant Classification Sherloc (09022015). Collection method: clinical testing. Allele origin: unknown.
Comment: This variant is a gross deletion of the genomic region encompassing exon(s) 16-17 of the COL4A1 gene. This variant would be expected to be in-frame, preserving the integrity of the reading frame. This variant has not been reported in the literature in individuals affected with COL4A1-related conditions. This variant disrupts the triple helix domain of COL4A1. Glycine residues within the Gly-Xaa-Yaa repeats of the triple helix domain are required for the structure and stability of fibrillar collagens (PMID: 7695699, 8218237, 19344236). In COL4A1 variants affecting these glycine residues are significantly enriched in individuals with disease (PMID: 9016532, 17078022) compared to the general population (ExAC). For these reasons, this variant has been classified as Pathogenic.

Literature cited by the submitters: PubMed 7695699; PubMed 8218237; PubMed 19344236; PubMed 9016532; PubMed 17078022.